The following is an entry in ClinVar:

ClinVar aggregate classification (germline): Likely pathogenic (1 of 4 stars; one submission).

Conditions:
Intellectual developmental disorder, autosomal dominant 71, with behavioral abnormalities (MRD71). Identifiers: MedGen C5830437, MONDO:0957228, OMIM 620330.

Submission:

Institute of Human Genetics, University of Leipzig Medical Center
Classification: Likely pathogenic for Intellectual developmental disorder, autosomal dominant 71, with behavioral abnormalities. Last evaluated: 2026-03-02. Review status: criteria provided, single submitter. Criteria: ACMG Guidelines, 2015. Collection method: clinical testing. Allele origin: unknown. Inheritance: Autosomal dominant inheritance. Affected: yes.
Comment: Criteria applied: PVS1_STR,PM2, PS2_MOD

NM_022841.7(RFX7):c.2680_2681dup (p.Met894fs)

Gene: RFX7 (regulatory factor X7; minus strand). Cytogenetic location: 15q21.3.
Variant type: Duplication.
Coding change: c.2680_2681dup on transcript NM_022841.7 (MANE Select); coding-DNA positions 2680 to 2681, 2 bases duplicated (AT; older notation c.2680_2681dupAT).
Protein change: p.Met894fs; shifts the reading frame from methionine 894.
Molecular consequence: frameshift variant.
Genome position (GRCh38, 1-based): chr15:56,095,047-56,095,048, AT duplicated on the plus strand (AT on the coding strand, the reverse complement: RFX7 is on the minus strand); duplicating any 2 consecutive bases within chr15:56,095,047-56,095,049 gives the same sequence; the c. name uses the placement nearest the transcript's 3' end. VCF-style (leftmost placement, unchanged base first): chr15-56095046-C-CAT. GRCh37 (hg19) VCF-style: chr15-56387244-C-CAT.
Other names: c.2389_2390dup, p.Met797fs (NM_001368073.2, NM_001368074.1, NM_001370554.1); c.2680_2681dup, p.Met894fs (NM_001370561.1); short protein forms M797fs, M894fs.
Identifiers: ClinVar variation 4819144 (VCV004819144.1).
Genomic context (GRCh38, chr15:56,095,046, plus strand): 5'-AAGGGTCATTCCCAAACAGTTGCCGTAAGAATGAGAATTGTTCATTGACATTTGCTGCTC[C>CAT]ATAAGCACCAGCTCTTCCACAATACTATCTTGTGTAAGTTCATCATCAAAAGGAAAGTAG-3'